The following is an entry in ClinVar:

NM_033004.4(NLRP1):c.2699+1G>C

Gene: NLRP1 (NLR family pyrin domain containing 1; minus strand). Cytogenetic location: 17p13.2.
Variant type: single nucleotide variant.
Coding change: c.2699+1G>C on transcript NM_033004.4 (MANE Select); the canonical splice donor site of the intron after coding-DNA position 2699, G replaced by C.
Molecular consequence: splice donor variant.
Genome position (GRCh38, 1-based): chr17:5,541,856, C>G on the plus strand (G>C on the coding strand, the complement: NLRP1 is on the minus strand). VCF-style: chr17-5541856-C-G. GRCh37 (hg19) VCF-style: chr17-5445176-C-G.
Other names: c.2699+1G>C (NM_001033053.3, NM_033007.4, NM_033006.4 and 1 more transcripts).
Identifiers: ClinVar variation 4724952 (VCV004724952.1).
Genomic context (GRCh38, chr17:5,541,856, plus strand): 5'-TGCCTGCCTCATGGTGGCAGGCAGTTCCCTCCACCTCCCCCTGCCCACCAAGAACAATTA[C>G]TGCAGTCGCTGTAGCTTGCAGCTCGGCTGTCTCAGTCTCTGGCAAAGGTGTTTGGCTCCA-3'

ClinVar aggregate classification (germline): Uncertain significance (1 of 4 stars; one submission).

gnomAD v4.1: 1 of 1,613,942 alleles (0.000062%); highest among the groups gnomAD compares: Non-Finnish European, 0.000085%; no homozygotes.

Submission:

Labcorp Genetics (formerly Invitae), Labcorp
Classification: Uncertain significance. Last evaluated: 2025-08-06. Review status: criteria provided, single submitter. Criteria: Invitae Variant Classification Sherloc (09022015). Collection method: clinical testing. Allele origin: germline.
Comment: This sequence change affects a donor splice site in intron 6 of the NLRP1 gene. It is expected to disrupt RNA splicing. Variants that disrupt the donor or acceptor splice site typically lead to a loss of protein function (PMID: 16199547), however the current clinical and genetic evidence is not sufficient to establish whether loss-of-function variants in NLRP1 cause disease. This variant is not present in population databases (gnomAD no frequency). This variant has not been reported in the literature in individuals affected with NLRP1-related conditions. Algorithms developed to predict the effect of sequence changes on RNA splicing suggest that this variant may disrupt the consensus splice site. In summary, the available evidence is currently insufficient to determine the role of this variant in disease. Therefore, it has been classified as a Variant of Uncertain Significance.

Literature cited by the submitters: PubMed 16199547.